The following is an entry in ClinVar:

NM_170601.5(SIAE):c.1452G>A (p.Thr484=)

Gene: SIAE (sialic acid acetylesterase; minus strand). Cytogenetic location: 11q24.2.
Variant type: single nucleotide variant.
Coding change: c.1452G>A on transcript NM_170601.5 (MANE Select); coding-DNA position 1452, G replaced by A.
Protein change: p.Thr484=; no amino-acid change (threonine 484 retained).
Molecular consequence: synonymous variant.
Genome position (GRCh38, 1-based): chr11:124,637,071, C>T on the plus strand (G>A on the coding strand, the complement: SIAE is on the minus strand). VCF-style: chr11-124637071-C-T. GRCh37 (hg19) VCF-style: chr11-124506967-C-T.
Other names: c.1347G>A, p.Thr449= (NM_001199922.2); c.1452G>A (NM_170601.4).
Identifiers: ClinVar variation 1168498 (VCV001168498.12), dbSNP rs7941327, ClinGen allele CA6341169.

ClinVar aggregate classification (germline): Benign. Review status: criteria provided, multiple submitters, no conflicts (2 of 4 stars). 3 submissions from 3 submitters: Benign (2). 1 of the submissions does not count toward it. Last evaluated 2026-02-04.

Conditions:
SIAE-related disorder. Also called: SIAE-related condition.

Allele frequency attached by ClinVar (database versions not stated): gnomAD exomes 0.03630 and 0.05451; ESP Exome Variant Server 0.14069; 1000 Genomes Project 30x 0.16068; ExAC 0.06123; TOPMed 0.14790; gnomAD 0.13788 and 0.13180; 1000 Genomes Project 0.15395.
gnomAD v4.1: 74,305 of 1,613,918 alleles (4.6%); highest among the groups gnomAD compares: African/African-American, 40%; 7,215 homozygotes.

Submissions (3):

Labcorp Genetics (formerly Invitae), Labcorp
Classification: Benign. Last evaluated: 2026-02-04. Review status: criteria provided, single submitter. Criteria: Invitae Variant Classification Sherloc (09022015). Collection method: clinical testing. Allele origin: germline.

Breakthrough Genomics
Classification: Benign. Review status: criteria provided, single submitter. Criteria: ACMG Guidelines, 2015. Collection method: not provided. Allele origin: germline. Inheritance: Unknown mechanism. Affected: yes.

PreventionGenetics, part of Exact Sciences
Classification: Benign for SIAE-related condition. Last evaluated: 2019-11-14. Review status: no assertion criteria provided. Collection method: clinical testing. Allele origin: germline. Not counted in ClinVar's aggregate classification.
Comment: This variant is classified as benign based on ACMG/AMP sequence variant interpretation guidelines (Richards et al. 2015 PMID: 25741868, with internal and published modifications).